The following is an entry in ClinVar:

ClinVar aggregate classification (germline): Uncertain significance (1 of 4 stars; one submission).

Allele frequency attached by ClinVar (database versions not stated): gnomAD 0.00005; TOPMed 0.00005; ExAC 0.00006; gnomAD exomes 0.00009.
gnomAD v4.1: 141 of 1,592,292 alleles (0.0089%); highest among the groups gnomAD compares: Non-Finnish European, 0.011%; no homozygotes.

Submission:

Labcorp Genetics (formerly Invitae), Labcorp
Classification: Uncertain significance. Last evaluated: 2022-01-17. Review status: criteria provided, single submitter. Criteria: Invitae Variant Classification Sherloc (09022015). Collection method: clinical testing. Allele origin: germline.
Comment: This sequence change replaces glycine, which is neutral and non-polar, with arginine, which is basic and polar, at codon 666 of the SI protein (p.Gly666Arg). This variant is present in population databases (rs754112650, gnomAD 0.01%). This variant has not been reported in the literature in individuals affected with SI-related conditions. Advanced modeling of protein sequence and biophysical properties (such as structural, functional, and spatial information, amino acid conservation, physicochemical variation, residue mobility, and thermodynamic stability) performed at Invitae indicates that this missense variant is expected to disrupt SI protein function. Algorithms developed to predict the effect of sequence changes on RNA splicing suggest that this variant may create or strengthen a splice site. In summary, the available evidence is currently insufficient to determine the role of this variant in disease. Therefore, it has been classified as a Variant of Uncertain Significance.

NM_001041.4(SI):c.1996G>A (p.Gly666Arg)

Gene: SI (sucrase-isomaltase; minus strand). Cytogenetic location: 3q26.1.
Variant type: single nucleotide variant.
Coding change: c.1996G>A on transcript NM_001041.4 (MANE Select); coding-DNA position 1996, G replaced by A.
Protein change: p.Gly666Arg; replaces glycine 666 with arginine.
Molecular consequence: missense variant.
Genome position (GRCh38, 1-based): chr3:165,043,067, C>T on the plus strand (G>A on the coding strand, the complement: SI is on the minus strand). VCF-style: chr3-165043067-C-T. GRCh37 (hg19) VCF-style: chr3-164760855-C-T.
Other names: short protein forms G666R.
Identifiers: ClinVar variation 1925053 (VCV001925053.2), dbSNP rs754112650, ClinGen allele CA2690891.